The following is an entry in ClinVar:

ClinVar aggregate classification (germline): Uncertain significance. Review status: criteria provided, multiple submitters, no conflicts (2 of 4 stars). 3 submissions from 3 submitters: Uncertain significance (2). 1 of the submissions does not count toward it. Last evaluated 2025-03-27.

Conditions:
Granulomatous disease, chronic, autosomal recessive, cytochrome b-negative. Also called: CGD DUE TO DEFICIENCY OF THE ALPHA SUBUNIT OF CYTOCHROME b; CGD, AUTOSOMAL RECESSIVE CYTOCHROME b-NEGATIVE; CYBA DEFICIENCY; GRANULOMATOUS DISEASE, CHRONIC, AUTOSOMAL RECESSIVE, 4; Chronic granulomatous disease, autosomal, due to deficiency of CYBA. Identifiers: Orphanet 379, MedGen C1856255, MONDO:0009308, OMIM 233690.
Inborn genetic diseases. Identifiers: MedGen C0950123, MeSH D030342.
Chronic granulomatous disease. Identifiers: Orphanet 379, MedGen C0018203, MONDO:0018305.

Allele frequency attached by ClinVar (database versions not stated): ExAC 0.00001; gnomAD 0.00001; gnomAD exomes 0.00001; TOPMed 0.00001.
gnomAD v4.1: 9 of 1,613,390 alleles (0.00056%); highest among the groups gnomAD compares: East Asian, 0.016%; no homozygotes.

Submissions (3):

Ambry Genetics
Classification: Uncertain significance for Inborn genetic diseases. Last evaluated: 2025-03-27. Review status: criteria provided, single submitter. Criteria: Ambry Variant Classification Scheme 2023. Collection method: clinical testing. Allele origin: germline.

Labcorp Genetics (formerly Invitae), Labcorp
Classification: Uncertain significance for Granulomatous disease, chronic, autosomal recessive, cytochrome b-negative. Last evaluated: 2021-09-01. Review status: criteria provided, single submitter. Criteria: Invitae Variant Classification Sherloc (09022015). Collection method: clinical testing. Allele origin: germline.
Comment: This sequence change replaces lysine with glutamine at codon 71 of the CYBA protein (p.Lys71Gln). The lysine residue is highly conserved and there is a small physicochemical difference between lysine and glutamine. This variant is present in population databases (rs768968198, ExAC 0.01%). This variant has not been reported in the literature in individuals affected with CYBA-related conditions. Algorithms developed to predict the effect of missense changes on protein structure and function (SIFT, PolyPhen-2, Align-GVGD) all suggest that this variant is likely to be tolerated. In summary, the available evidence is currently insufficient to determine the role of this variant in disease. Therefore, it has been classified as a Variant of Uncertain Significance.

Natera, Inc.
Classification: Uncertain significance for Chronic granulomatous disease. Last evaluated: 2019-12-10. Review status: no assertion criteria provided. Collection method: clinical testing. Allele origin: germline. Not counted in ClinVar's aggregate classification.

NM_000101.4(CYBA):c.211A>C (p.Lys71Gln)

Gene: CYBA (cytochrome b-245 alpha chain; minus strand). Cytogenetic location: 16q24.2.
Variant type: single nucleotide variant.
Coding change: c.211A>C on transcript NM_000101.4 (MANE Select); coding-DNA position 211, A replaced by C.
Protein change: p.Lys71Gln; replaces lysine 71 with glutamine.
Molecular consequence: missense variant.
Genome position (GRCh38, 1-based): chr16:88,646,831, T>G on the plus strand (A>C on the coding strand, the complement: CYBA is on the minus strand). VCF-style: chr16-88646831-T-G. GRCh37 (hg19) VCF-style: chr16-88713239-T-G.
Other names: c.211A>C (NM_000101.2); short protein forms K71Q.
Identifiers: ClinVar variation 946421 (VCV000946421.5), dbSNP rs768968198, ClinGen allele CA8228351.